The following is an entry in ClinVar:

NM_006586.5(CNPY3):c.50TGC[11] (p.Leu25_Pro26insLeuLeu)

Genes: CNPY3 (canopy FGF signaling regulator 3; plus strand), CNPY3-GNMT (CNPY3-GNMT readthrough; plus strand). Cytogenetic location: 6p21.1.
Variant type: Microsatellite.
Coding change: c.50TGC[11] on transcript NM_006586.5 (MANE Select); 11 copies in a row of the 3-base unit TGC starting at c.50; the reference has nine copies in a row; two copies, 6 bases duplicated.
Protein change: p.Leu25_Pro26insLeuLeu.
Molecular consequence: inframe insertion. On other transcripts: 5 prime UTR variant (2), non-coding transcript variant (9).
Genome position (GRCh38, 1-based): chr6:42,929,641-42,929,646, TGCTGC duplicated; duplicating any 6 consecutive bases within chr6:42,929,620-42,929,646 gives the same sequence; the position shown is the placement nearest the transcript's 3' end. VCF-style (leftmost placement, unchanged base first): chr6-42929619-T-TTGCTGC. GRCh37 (hg19) VCF-style: chr6-42897357-T-TTGCTGC.
Other names: c.71_76dupTGCTGC (NM_006586.5); c.50TGC[11], p.Leu25_Pro26insLeuLeu (NM_001318842.1, NM_001318847.2, NM_001318848.2 and 2 more transcripts); c.-94TGC[11] (NM_001318845.1, NM_001318856.2).
Identifiers: ClinVar variation 3251627 (VCV003251627.1), dbSNP rs570105218.

ClinVar aggregate classification (germline): Uncertain significance (1 of 4 stars; one submission).

Submission:

Women's Health and Genetics/Laboratory Corporation of America, LabCorp
Classification: Uncertain significance. Last evaluated: 2024-04-01. Review status: criteria provided, single submitter. Criteria: LabCorp Variant Classification Summary - May 2015. Collection method: clinical testing. Allele origin: germline.
Comment: Variant summary: CNPY3 c.71_76dupTGCTGC (p.Leu24_Leu25dup) results in an in-frame duplication that is predicted to duplicate two amino acids into the encoded protein. The variant was absent in 128598 control chromosomes. The available data on variant occurrences in the general population are insufficient to allow any conclusion about variant significance. To our knowledge, no occurrence of c.71_76dupTGCTGC in individuals affected with Developmental And Epileptic Encephalopathy, 60 and no experimental evidence demonstrating its impact on protein function have been reported. No submitters have cited clinical-significance assessments for this variant to ClinVar. Based on the evidence outlined above, the variant was classified as uncertain significance.